The following is an entry in ClinVar:

NM_000180.4(GUCY2D):c.926_939del (p.Leu309fs)

Gene: GUCY2D (guanylate cyclase 2D, retinal; plus strand). Cytogenetic location: 17p13.1.
Variant type: Deletion.
Coding change: c.926_939del on transcript NM_000180.4 (MANE Select); coding-DNA positions 926 to 939, 14 bases deleted (TCACCCTCACGCGC).
Protein change: p.Leu309fs; shifts the reading frame from leucine 309.
Molecular consequence: frameshift variant.
Genome position (GRCh38, 1-based): chr17:8,004,056-8,004,069, TCACCCTCACGCGC deleted; deleting any 14 consecutive bases within chr17:8,004,054-8,004,069 gives the same sequence; the c. name uses the placement nearest the transcript's 3' end. VCF-style (leftmost placement, unchanged base first): chr17-8004053-TGCTCACCCTCACGC-T. GRCh37 (hg19) VCF-style: chr17-7907371-TGCTCACCCTCACGC-T.
Other names: short protein forms L309fs.
Identifiers: ClinVar variation 957347 (VCV000957347.7), dbSNP rs1975693728, ClinGen allele CA1139664111.
Genomic context (GRCh38, chr17:8,004,053, plus strand): 5'-GCCCGGAGGCCTTGGCCGCACTCGCCAACAGCTCCCAGCTTCGCAGGGCCCACGATGCCG[TGCTCACCCTCACGC>T]GCCACTGTCCCTCTGAAGGCAGCGTGCTGGACAGCCTGCGCAGGGCTCAAGAGCGCCGCG-3'

ClinVar aggregate classification (germline): Pathogenic (1 of 4 stars; one submission).

Conditions:
Cone-rod dystrophy 6 (CORD6). Also called: RETINAL CONE DYSTROPHY 2; Cone dystrophy progressive. Identifiers: Orphanet 1872, MedGen C1866293, MONDO:0011143, OMIM 601777.
Leber congenital amaurosis 1 (LCA1). Also called: AMAUROSIS CONGENITA OF LEBER I; RETINAL BLINDNESS, CONGENITAL; Congenital absence of the rods and cones; Leber's congenital tapetoretinal degeneration; Leber's congenital tapetoretinal dysplasia. Identifiers: Orphanet 65, MedGen C2931258, MONDO:0008764, OMIM 204000.

Submission:

Labcorp Genetics (formerly Invitae), Labcorp
Classification: Pathogenic for Leber congenital amaurosis 1; Cone-rod dystrophy 6. Last evaluated: 2019-10-03. Review status: criteria provided, single submitter. Criteria: Invitae Variant Classification Sherloc (09022015). Collection method: clinical testing. Allele origin: germline.
Comment: Loss-of-function variants in GUCY2D are known to be pathogenic (PMID: 10951519, 11328726). This sequence change creates a premature translational stop signal (p.Leu309Profs*5) in the GUCY2D gene. It is expected to result in an absent or disrupted protein product. This variant is not present in population databases (ExAC no frequency). This variant has not been reported in the literature in individuals with GUCY2D-related conditions. For these reasons, this variant has been classified as Pathogenic.

Literature cited by the submitters: PubMed 10951519; PubMed 11328726.